The following is an entry in ClinVar:

NM_020458.4(TTC7A):c.2494G>A (p.Ala832Thr)

Gene: TTC7A (tetratricopeptide repeat domain 7A; plus strand). Cytogenetic location: 2p21.
Variant type: single nucleotide variant.
Coding change: c.2494G>A on transcript NM_020458.4 (MANE Select); coding-DNA position 2494, G replaced by A.
Protein change: p.Ala832Thr; replaces alanine 832 with threonine.
Molecular consequence: missense variant.
Genome position (GRCh38, 1-based): chr2:47,073,840, G>A. VCF-style: chr2-47073840-G-A. GRCh37 (hg19) VCF-style: chr2-47300979-G-A.
Other names: c.2494G>A, p.Ala832Thr (LRG_1323t1); c.2566G>A, p.Ala856Thr (NM_001288951.2); c.2392G>A, p.Ala798Thr (NM_001288953.2); c.1432G>A, p.Ala478Thr (NM_001288955.2); short protein forms A832T, A798T, A478T, A856T.
Identifiers: ClinVar variation 190394 (VCV000190394.3), dbSNP rs876657393, ClinGen allele CA10575707.

ClinVar aggregate classification (germline): Likely pathogenic. Review status: criteria provided, single submitter (1 of 4 stars). 2 submissions from 2 submitters: Likely pathogenic (1). 1 of the submissions does not count toward it. Last evaluated 2025-03-09.

Conditions:
Gastrointestinal defects and immunodeficiency syndrome 1 (GIDID1). Also called: Combined immunodeficiency-enteropathy spectrum. Identifiers: Orphanet 436252, MedGen C5968858, MONDO:0800030, OMIM 243150.

Allele frequency attached by ClinVar (database versions not stated): gnomAD exomes below 0.00001; TOPMed below 0.00001; gnomAD 0.00001.
gnomAD v4.1: 4 of 1,613,694 alleles (0.00025%); highest among the groups gnomAD compares: African/African-American, 0.0013%; no homozygotes.

Submissions (2):

Next Generation Genetic Polyclinic
Classification: Likely pathogenic for Gastrointestinal defects and immunodeficiency syndrome 1. Last evaluated: 2025-03-09. Review status: criteria provided, single submitter. Criteria: ACMG Guidelines, 2015. Collection method: curation. Allele origin: germline. Affected: yes. Observed: 1 variant allele.
Comment: The NM_001288953.2:c.2392G>A (TTC7A) variant results in a missense substitution at a conserved residue within the tetratricopeptide repeat domain, potentially affecting protein-protein interactions vital for epithelial and immune system function. TTC7A plays an essential role in intestinal development and T-cell maturation. This variant is absent from population databases (PM2) and predicted to be deleterious by multiple in silico tools (PP3). It has been reported in a homozygous state in two individuals with clinical features consistent with TTC7A-associated autosomal recessive multiple intestinal atresia and combined immunodeficiency (PS4_supporting). Given the nature of the variant, gene function, inheritance, and available evidence, it is classified as Likely Pathogenic based on ACMG criteria: PM2, PP3, PS4_supporting.

OMIM
Classification: Pathogenic for GASTROINTESTINAL DEFECTS AND IMMUNODEFICIENCY SYNDROME 1. Last evaluated: 2014-04-01. Review status: no assertion criteria provided. Collection method: literature only. Allele origin: germline. Not counted in ClinVar's aggregate classification.

Literature cited by the submitters: PubMed 24417819 (cited by OMIM).